The following is an entry in ClinVar:

NM_014989.7(RIMS1):c.164+6C>G

Gene: RIMS1 (regulating synaptic membrane exocytosis 1; plus strand). Cytogenetic location: 6q13.
Variant type: single nucleotide variant.
Coding change: c.164+6C>G on transcript NM_014989.7 (MANE Select); 6 bases into the intron after coding-DNA position 164, C replaced by G.
Molecular consequence: intron variant.
Genome position (GRCh38, 1-based): chr6:71,887,193, C>G. VCF-style: chr6-71887193-C-G. GRCh37 (hg19) VCF-style: chr6-72596896-C-G.
Other names: c.164+6C>G (NM_001350413.1, NM_001350411.1, NM_001350412.1).
Identifiers: ClinVar variation 3612042 (VCV003612042.2).
Genomic context (GRCh38, chr6:71,887,193, plus strand): 5'-TGGCAGTGATGGACCGGCAGAAGGAAGAGGAGGAAAAAGAAGAAGCCATGCTCAAGTAAG[C>G]CAGCCCCAGCCGCGCCATCCATGCCTCCGTGCCTCCATCCGTCCATTCACCACTCACTCC-3'

ClinVar aggregate classification (germline): Uncertain significance (1 of 4 stars; one submission).

gnomAD v4.1: 41 of 1,598,736 alleles (0.0026%); highest among the groups gnomAD compares: Non-Finnish European, 0.0034%; no homozygotes.

Submission:

Labcorp Genetics (formerly Invitae), Labcorp
Classification: Uncertain significance. Last evaluated: 2024-08-07. Review status: criteria provided, single submitter. Criteria: Invitae Variant Classification Sherloc (09022015). Collection method: clinical testing. Allele origin: germline.
Comment: This sequence change falls in intron 1 of the RIMS1 gene. It does not directly change the encoded amino acid sequence of the RIMS1 protein. It affects a nucleotide within the consensus splice site. The frequency data for this variant in the population databases is considered unreliable, as metrics indicate poor data quality at this position in the gnomAD database. This variant has not been reported in the literature in individuals affected with RIMS1-related conditions. Variants that disrupt the consensus splice site are a relatively common cause of aberrant splicing (PMID: 17576681, 9536098). Algorithms developed to predict the effect of sequence changes on RNA splicing suggest that this variant is not likely to affect RNA splicing. In summary, the available evidence is currently insufficient to determine the role of this variant in disease. Therefore, it has been classified as a Variant of Uncertain Significance.

Literature cited by the submitters: PubMed 17576681; PubMed 9536098.